The following is an entry in ClinVar:

NM_015450.3(POT1):c.1610C>A (p.Pro537His)

Gene: POT1 (protection of telomeres 1; minus strand). Cytogenetic location: 7q31.33.
Variant type: single nucleotide variant.
Coding change: c.1610C>A on transcript NM_015450.3 (MANE Select); coding-DNA position 1610, C replaced by A.
Protein change: p.Pro537His; replaces proline 537 with histidine.
Molecular consequence: missense variant. On other transcripts: non-coding transcript variant (3).
Genome position (GRCh38, 1-based): chr7:124,827,290, G>T on the plus strand (C>A on the coding strand, the complement: POT1 is on the minus strand). VCF-style: chr7-124827290-G-T. GRCh37 (hg19) VCF-style: chr7-124467344-G-T.
Other names: c.1217C>A, p.Pro406His (NM_001042594.2); c.1610C>A (NM_015450.2); short protein forms P406H, P537H.
Identifiers: ClinVar variation 1396130 (VCV001396130.7), dbSNP rs774324805, ClinGen allele CA369063222.
Genomic context (GRCh38, chr7:124,827,290, plus strand): 5'-GCTTCTAGTACTCCTGTTCCATCATCAAGTGTAAAGGTCATAACAAACACATATTGGAGG[G>T]GTACAATACCCAGTGCTAGTGAAGGAAAAAAAGATCAAACCATATGAGTCTGCTATTCCT-3'
Protein context (NP_056265.2, residues 527-547): SSVAEALGIV[Pro537His]LQYVFVMTFT

ClinVar aggregate classification (germline): Uncertain significance. Review status: criteria provided, multiple submitters, no conflicts (2 of 4 stars). 2 submissions from 2 submitters: Uncertain significance (2). Last evaluated 2025-01-25.

Conditions:
Tumor predisposition syndrome 3 (TPDS3). Also called: Melanoma, cutaneous malignant, susceptibility to, 10; Glioma susceptibility 9; LONG TELOMERE SYNDROME, POT1-RELATED; POT1 Tumor Predisposition. Identifiers: Orphanet 618, MedGen C4014476, MONDO:0014368, OMIM 615848.
Hereditary cancer-predisposing syndrome. Also called: Tumor predisposition; Neoplastic Syndromes, Hereditary; Hereditary Cancer Syndrome; Hereditary neoplastic syndrome. Identifiers: Orphanet 140162, MedGen C0027672, MeSH D009386, MONDO:0015356.

Submissions (2):

Ambry Genetics
Classification: Uncertain significance for Hereditary cancer-predisposing syndrome. Last evaluated: 2025-01-25. Review status: criteria provided, single submitter. Criteria: Ambry Variant Classification Scheme 2023. Collection method: clinical testing. Allele origin: germline.
Comment: The p.P537H variant (also known as c.1610C>A), located in coding exon 13 of the POT1 gene, results from a C to A substitution at nucleotide position 1610. The proline at codon 537 is replaced by histidine, an amino acid with similar properties. This amino acid position is conserved. In addition, the in silico prediction for this alteration is inconclusive. Based on the available evidence, the clinical significance of this variant remains unclear.

Labcorp Genetics (formerly Invitae), Labcorp
Classification: Uncertain significance for Tumor predisposition syndrome 3. Last evaluated: 2021-12-02. Review status: criteria provided, single submitter. Criteria: Invitae Variant Classification Sherloc (09022015). Collection method: clinical testing. Allele origin: germline.
Comment: This sequence change replaces proline, which is neutral and non-polar, with histidine, which is basic and polar, at codon 537 of the POT1 protein (p.Pro537His). This variant is not present in population databases (gnomAD no frequency). This variant has not been reported in the literature in individuals affected with POT1-related conditions. Algorithms developed to predict the effect of missense changes on protein structure and function are either unavailable or do not agree on the potential impact of this missense change (SIFT: "Deleterious"; PolyPhen-2: "Probably Damaging"; Align-GVGD: "Class C0"). In summary, the available evidence is currently insufficient to determine the role of this variant in disease. Therefore, it has been classified as a Variant of Uncertain Significance.